The following is an entry in ClinVar:

NM_005027.4(PIK3R2):c.1694C>A (p.Pro565Gln)

Gene: PIK3R2 (phosphoinositide-3-kinase regulatory subunit 2; plus strand). Cytogenetic location: 19p13.11.
Variant type: single nucleotide variant.
Coding change: c.1694C>A on transcript NM_005027.4 (MANE Select); coding-DNA position 1694, C replaced by A.
Protein change: p.Pro565Gln; replaces proline 565 with glutamine.
Molecular consequence: missense variant. On other transcripts: non-coding transcript variant (2).
Genome position (GRCh38, 1-based): chr19:18,167,264, C>A. VCF-style: chr19-18167264-C-A. GRCh37 (hg19) VCF-style: chr19-18278074-C-A.
Other names: short protein forms P565Q.
Identifiers: ClinVar variation 930260 (VCV000930260.3), dbSNP rs1131691683, ClinGen allele CA404814315.

ClinVar aggregate classification (germline): Uncertain significance (1 of 4 stars; one submission).

Conditions:
Megalencephaly-polymicrogyria-polydactyly-hydrocephalus syndrome 1 (MPPH1). Also called: MEGALENCEPHALY, MEGA CORPUS CALLOSUM, AND COMPLETE LACK OF MOTOR DEVELOPMENT; MEGALENCEPHALY, POLYMICROGYRIA, MEGA CORPUS CALLOSUM SYNDROME. Identifiers: Orphanet 83473, MedGen C4012727, MONDO:0011313, OMIM 603387.

Submission:

Centre for Mendelian Genomics, University Medical Centre Ljubljana
Classification: Uncertain significance for Megalencephaly-polymicrogyria-polydactyly-hydrocephalus syndrome 1. Last evaluated: 2019-01-22. Review status: criteria provided, single submitter. Criteria: ACMG Guidelines, 2015. Collection method: clinical testing. Allele origin: unknown. Affected: yes.
Comment: This variant was classified as: Uncertain significance. The available evidence on this variant's pathogenicity is insufficient or conflicting. The following ACMG criteria were applied in classifying this variant: PM2,PM5,PP3,BS4.